The following is an entry in ClinVar:

NM_005499.3(UBA2):c.455A>C (p.Lys152Thr)

Gene: UBA2 (ubiquitin like modifier activating enzyme 2; plus strand). Cytogenetic location: 19q13.11.
Variant type: single nucleotide variant.
Coding change: c.455A>C on transcript NM_005499.3 (MANE Select); coding-DNA position 455, A replaced by C.
Protein change: p.Lys152Thr; replaces lysine 152 with threonine.
Molecular consequence: missense variant.
Genome position (GRCh38, 1-based): chr19:34,434,964, A>C. VCF-style: chr19-34434964-A-C. GRCh37 (hg19) VCF-style: chr19-34925869-A-C.
Other names: c.167A>C, p.Lys56Thr (NM_001411139.1); short protein forms K152T, K56T.
Identifiers: ClinVar variation 5017451 (VCV005017451.1).

ClinVar aggregate classification (germline): Uncertain significance (1 of 4 stars; one submission).

Submission:

GeneDx
Classification: Uncertain significance. Last evaluated: 2026-03-24. Review status: criteria provided, single submitter. Criteria: GeneDx Variant Classification Process June 2021. Collection method: clinical testing. Allele origin: germline.
Comment: Not observed at significant frequency in large population cohorts (gnomAD); In silico analysis supports that this missense variant has a deleterious effect on protein structure/function; Has not been previously published as pathogenic or benign to our knowledge.